The following is an entry in ClinVar:

NM_001330078.2(NRXN1):c.2273C>G (p.Thr758Ser)

Gene: NRXN1 (neurexin 1; minus strand). Cytogenetic location: 2p16.3.
Variant type: single nucleotide variant.
Coding change: c.2273C>G on transcript NM_001330078.2 (MANE Select); coding-DNA position 2273, C replaced by G.
Protein change: p.Thr758Ser; replaces threonine 758 with serine.
Molecular consequence: missense variant.
Genome position (GRCh38, 1-based): chr2:50,531,301, G>C on the plus strand (C>G on the coding strand, the complement: NRXN1 is on the minus strand). VCF-style: chr2-50531301-G-C. GRCh37 (hg19) VCF-style: chr2-50758439-G-C.
Other names: c.2393C>G, p.Thr798Ser (NM_001135659.3); c.2249C>G, p.Thr750Ser (NM_001330077.2, NM_001330082.2, NM_001330095.2); c.2234C>G, p.Thr745Ser (NM_001330083.2, NM_001330084.2); c.2273C>G, p.Thr758Ser (NM_001330085.2, NM_001330086.2, NM_004801.6); c.2189C>G, p.Thr730Ser (NM_001330087.2, NM_001330096.2); c.2219C>G, p.Thr740Ser (NM_001330088.2); c.2270C>G, p.Thr757Ser (NM_001330093.2); c.2261C>G, p.Thr754Ser (NM_001330094.2); short protein forms T758S, T798S, T740S, T745S, T750S, T757S, T730S, T754S.
Identifiers: ClinVar variation 2176396 (VCV002176396.4), dbSNP rs1376212854, ClinGen allele CA346769550.

ClinVar aggregate classification (germline): Uncertain significance (1 of 4 stars; one submission).

Conditions:
Pitt-Hopkins-like syndrome 2 (PTHSL2). Identifiers: Orphanet 221150, Orphanet 600663, MedGen C3280479, MONDO:0013690, OMIM 614325.

Allele frequency attached by ClinVar (database versions not stated): gnomAD exomes 0.00001.
gnomAD v4.1: 3 of 1,613,618 alleles (0.00019%); highest among the groups gnomAD compares: Admixed American, 0.005%; no homozygotes.

Submission:

Labcorp Genetics (formerly Invitae), Labcorp
Classification: Uncertain significance for Pitt-Hopkins-like syndrome 2. Last evaluated: 2025-10-24. Review status: criteria provided, single submitter. Criteria: Invitae Variant Classification Sherloc (09022015). Collection method: clinical testing. Allele origin: germline.
Comment: This sequence change replaces threonine, which is neutral and polar, with serine, which is neutral and polar, at codon 798 of the NRXN1 protein (p.Thr798Ser). This variant is present in population databases (no rsID available, gnomAD 0.003%). This variant has not been reported in the literature in individuals affected with NRXN1-related conditions. ClinVar contains an entry for this variant (Variation ID: 2176396). An algorithm developed to predict the effect of missense changes on protein structure and function (PolyPhen-2) suggests that this variant is likely to be tolerated. In summary, the available evidence is currently insufficient to determine the role of this variant in disease. Therefore, it has been classified as a Variant of Uncertain Significance.